The following is an entry in ClinVar:

NM_016292.3(TRAP1):c.836A>G (p.Asn279Ser)

Gene: TRAP1 (TNF receptor associated protein 1; minus strand). Cytogenetic location: 16p13.3.
Variant type: single nucleotide variant.
Coding change: c.836A>G on transcript NM_016292.3 (MANE Select); coding-DNA position 836, A replaced by G.
Protein change: p.Asn279Ser; replaces asparagine 279 with serine.
Molecular consequence: missense variant.
Genome position (GRCh38, 1-based): chr16:3,675,376, T>C on the plus strand (A>G on the coding strand, the complement: TRAP1 is on the minus strand). VCF-style: chr16-3675376-T-C. GRCh37 (hg19) VCF-style: chr16-3725377-T-C.
Other names: c.677A>G, p.Asn226Ser (NM_001272049.2); short protein forms N226S, N279S.
Identifiers: ClinVar variation 3625325 (VCV003625325.2).
Genomic context (GRCh38, chr16:3,675,376, plus strand): 5'-GGGCTCACCTGCAAGGTGTTCATCCGCCTTCCATTCAAGTACAAGGGGAAGCTGACGAAG[T>C]TGCTGTACTTCGTTACCACATCTGGAAGGGACAAAAGAAAAACCACACTGCATCTACAAT-3'
Protein context (NP_057376.2, residues 269-289): RVRDVVTKYS[Asn279Ser]FVSFPLYLNG

ClinVar aggregate classification (germline): Uncertain significance (1 of 4 stars; one submission).

Submission:

Labcorp Genetics (formerly Invitae), Labcorp
Classification: Uncertain significance. Last evaluated: 2025-01-27. Review status: criteria provided, single submitter. Criteria: Invitae Variant Classification Sherloc (09022015). Collection method: clinical testing. Allele origin: germline.
Comment: This sequence change replaces asparagine, which is neutral and polar, with serine, which is neutral and polar, at codon 279 of the TRAP1 protein (p.Asn279Ser). This variant is present in population databases (rs745944320, gnomAD 0.009%). This variant has not been reported in the literature in individuals affected with TRAP1-related conditions. Invitae Evidence Modeling of protein sequence and biophysical properties (such as structural, functional, and spatial information, amino acid conservation, physicochemical variation, residue mobility, and thermodynamic stability) indicates that this missense variant is not expected to disrupt TRAP1 protein function with a negative predictive value of 80%. In summary, the available evidence is currently insufficient to determine the role of this variant in disease. Therefore, it has been classified as a Variant of Uncertain Significance.